The following is an entry in ClinVar:

NM_001312673.2(PCYT1A):c.466G>A (p.Glu156Lys)

Genes: PCYT1A (phosphate cytidylyltransferase 1A, choline; minus strand), LOC126806932 (BRD4-independent group 4 enhancer GRCh37_chr3:195973646-195974845; plus strand). Cytogenetic location: 3q29.
Variant type: single nucleotide variant.
Coding change: c.466G>A on transcript NM_001312673.2 (MANE Select); coding-DNA position 466, G replaced by A.
Protein change: p.Glu156Lys; replaces glutamic acid 156 with lysine.
Molecular consequence: missense variant.
Genome position (GRCh38, 1-based): chr3:196,247,387, C>T on the plus strand (G>A on the coding strand, the complement: PCYT1A is on the minus strand). VCF-style: chr3-196247387-C-T. GRCh37 (hg19) VCF-style: chr3-195974258-C-T.
Other names: c.466G>A, p.Glu156Lys (NM_005017.4); short protein forms E156K.
Identifiers: ClinVar variation 1912881 (VCV001912881.4), dbSNP rs779048770, ClinGen allele CA2779526.

ClinVar aggregate classification (germline): Uncertain significance (1 of 4 stars; one submission).

Allele frequency attached by ClinVar (database versions not stated): TOPMed below 0.00001; ExAC 0.00001; gnomAD 0.00001; gnomAD exomes 0.00001.

Submission:

Labcorp Genetics (formerly Invitae), Labcorp
Classification: Uncertain significance. Last evaluated: 2022-02-13. Review status: criteria provided, single submitter. Criteria: Invitae Variant Classification Sherloc (09022015). Collection method: clinical testing. Allele origin: germline.
Comment: In summary, the available evidence is currently insufficient to determine the role of this variant in disease. Therefore, it has been classified as a Variant of Uncertain Significance. Advanced modeling of protein sequence and biophysical properties (such as structural, functional, and spatial information, amino acid conservation, physicochemical variation, residue mobility, and thermodynamic stability) performed at Invitae indicates that this missense variant is expected to disrupt PCYT1A protein function. This variant has not been reported in the literature in individuals affected with PCYT1A-related conditions. This variant is present in population databases (rs779048770, gnomAD 0.0009%). This sequence change replaces glutamic acid, which is acidic and polar, with lysine, which is basic and polar, at codon 156 of the PCYT1A protein (p.Glu156Lys).